The following is an entry in ClinVar:

ClinVar aggregate classification (germline): Conflicting classifications of pathogenicity. Review status: criteria provided, conflicting classifications (1 of 4 stars). 2 submissions from 2 submitters: Uncertain significance (1); Likely benign (1). Last evaluated 2024-07-01.

Allele frequency attached by ClinVar (database versions not stated): gnomAD exomes 0.00008 and 0.00021; ExAC 0.00029; 1000 Genomes Project 0.00040; 1000 Genomes Project 30x 0.00062; TOPMed 0.00089; gnomAD 0.00094 and 0.00102; ESP Exome Variant Server 0.00109.
gnomAD v4.1: 260 of 1,613,922 alleles (0.016%); highest among the groups gnomAD compares: African/African-American, 0.32%; no homozygotes.

Submissions (2):

CeGaT Center for Human Genetics Tuebingen
Classification: Uncertain significance. Last evaluated: 2024-07-01. Review status: criteria provided, single submitter. Criteria: CeGaT Center For Human Genetics Tuebingen Variant Classification Criteria Version 2. Collection method: clinical testing. Allele origin: germline. Affected: yes. Observed: 1 variant allele.
Comment: SPIDR: PM2, BP4

Labcorp Genetics (formerly Invitae), Labcorp
Classification: Likely benign. Last evaluated: 2018-12-11. Review status: criteria provided, single submitter. Criteria: Invitae Variant Classification Sherloc (09022015). Collection method: clinical testing. Allele origin: germline.

NM_001080394.4(SPIDR):c.884A>C (p.Lys295Thr)

Gene: SPIDR (scaffold protein involved in DNA repair; plus strand). Cytogenetic location: 8q11.21.
Variant type: single nucleotide variant.
Coding change: c.884A>C on transcript NM_001080394.4 (MANE Select); coding-DNA position 884, A replaced by C.
Protein change: p.Lys295Thr; replaces lysine 295 with threonine.
Molecular consequence: missense variant. On other transcripts: 5 prime UTR variant (6), non-coding transcript variant (5).
Genome position (GRCh38, 1-based): chr8:47,440,329, A>C. VCF-style: chr8-47440329-A-C. GRCh37 (hg19) VCF-style: chr8-48352891-A-C.
Other names: c.674A>C, p.Lys225Thr (NM_001282916.1, NM_001352935.1, NM_001352936.1); c.704A>C, p.Lys235Thr (NM_001282919.1, NM_001352933.1, NM_001352937.1); c.884A>C, p.Lys295Thr (NM_001352931.1, NM_001352934.1, NM_001352961.1); c.764A>C, p.Lys255Thr (NM_001352932.1); c.392A>C, p.Lys131Thr (NM_001352938.1, NM_001352939.1, NM_001352940.1 and 2 more transcripts); c.368A>C, p.Lys123Thr (NM_001352941.1, NM_001352944.1); c.227A>C, p.Lys76Thr (NM_001352942.1, NM_001352949.1); c.158A>C, p.Lys53Thr (NM_001352945.1); and 3 more; short protein forms K131T, K295T, K45T, K76T, K123T, K235T, K225T, K255T.
Identifiers: ClinVar variation 728390 (VCV000728390.25), dbSNP rs139331110, ClinGen allele CA4738031.